The following is an entry in ClinVar:

NM_001130009.3(GEN1):c.1019A>T (p.Asp340Val)

Gene: GEN1 (GEN1 structure-specific endonuclease; plus strand). Cytogenetic location: 2p24.2.
Variant type: single nucleotide variant.
Coding change: c.1019A>T on transcript NM_001130009.3 (MANE Select); coding-DNA position 1019, A replaced by T.
Protein change: p.Asp340Val; replaces aspartic acid 340 with valine.
Molecular consequence: missense variant.
Genome position (GRCh38, 1-based): chr2:17,773,247, A>T. VCF-style: chr2-17773247-A-T. GRCh37 (hg19) VCF-style: chr2-17954514-A-T.
Other names: c.1019A>T, p.Asp340Val (NM_182625.5); short protein forms D340V.
Identifiers: ClinVar variation 4826303 (VCV004826303.1).

ClinVar aggregate classification (germline): Uncertain significance (1 of 4 stars; one submission).

gnomAD v4.1: 2 of 1,602,568 alleles (0.00012%); highest among the groups gnomAD compares: Non-Finnish European, 0.00017%; no homozygotes.

Submission:

Ambry Genetics
Classification: Uncertain significance. Last evaluated: 2026-03-08. Review status: criteria provided, single submitter. Criteria: Ambry Variant Classification Scheme 2023. Collection method: clinical testing. Allele origin: germline.
Comment: The p.D340V variant (also known as c.1019A>T), located in coding exon 9 of the GEN1 gene, results from an A to T substitution at nucleotide position 1019. The aspartic acid at codon 340 is replaced by valine, an amino acid with highly dissimilar properties. This amino acid position is conserved. In addition, this alteration is predicted to be tolerated by in silico analysis. Based on the available evidence, the clinical significance of this variant remains unclear.